The following is an entry in ClinVar:

ClinVar aggregate classification (germline): Uncertain significance (1 of 4 stars; one submission).

Submission:

Ambry Genetics
Classification: Uncertain significance. Last evaluated: 2024-07-15. Review status: criteria provided, single submitter. Criteria: Ambry Variant Classification Scheme 2023. Collection method: clinical testing. Allele origin: germline.
Comment: The p.T337A variant (also known as c.1009A>G), located in coding exon 5 of the MNDA gene, results from an A to G substitution at nucleotide position 1009. The threonine at codon 337 is replaced by alanine, an amino acid with similar properties. This amino acid position is conserved. In addition, this alteration is predicted to be tolerated by in silico analysis. Based on the available evidence, the clinical significance of this variant remains unclear.

NM_002432.3(MNDA):c.1009A>G (p.Thr337Ala)

Gene: MNDA (myeloid cell nuclear differentiation antigen; plus strand). Cytogenetic location: 1q23.1.
Variant type: single nucleotide variant.
Coding change: c.1009A>G on transcript NM_002432.3 (MANE Select); coding-DNA position 1009, A replaced by G.
Protein change: p.Thr337Ala; replaces threonine 337 with alanine.
Molecular consequence: missense variant.
Genome position (GRCh38, 1-based): chr1:158,847,749, A>G. VCF-style: chr1-158847749-A-G. GRCh37 (hg19) VCF-style: chr1-158817539-A-G.
Other names: short protein forms T337A.
Identifiers: ClinVar variation 3397277 (VCV003397277.1).